The following is an entry in ClinVar:

NM_001903.5(CTNNA1):c.1922_1923del (p.Asp640_Ser641insTer)

Gene: CTNNA1 (catenin alpha 1; plus strand). Cytogenetic location: 5q31.2.
Variant type: Microsatellite.
Coding change: c.1922_1923del on transcript NM_001903.5 (MANE Select); coding-DNA positions 1922 to 1923, 2 bases deleted (CT; older notation c.1922_1923delCT).
Protein change: p.Asp640_Ser641insTer.
Molecular consequence: nonsense.
Genome position (GRCh38, 1-based): chr5:138,929,268-138,929,269, CT deleted; deleting any 2 consecutive bases within chr5:138,929,266-138,929,269 gives the same sequence; the c. name uses the placement nearest the transcript's 3' end. VCF-style (leftmost placement, unchanged base first): chr5-138929265-ACT-A. GRCh37 (hg19) VCF-style: chr5-138264954-ACT-A.
Other names: c.1922_1923delCT (NM_001903.2); c.1922_1923del, p.Asp640_Ser641insTer (NM_001290307.3, NM_001323982.2, NM_001323983.1 and 2 more transcripts); c.1613_1614del, p.Asp537_Ser538insTer (NM_001290309.3); c.1553_1554del, p.Asp517_Ser518insTer (NM_001290310.3); c.812_813del, p.Asp270_Ser271insTer (NM_001290312.1, NM_001323987.1, NM_001323988.1 and 17 more transcripts); c.1829_1830del, p.Asp609_Ser610insTer (NM_001323986.2); c.473_474del, p.Asp157_Ser158insTer (NM_001324006.1, NM_001324007.1, NM_001324008.1 and 2 more transcripts); c.719_720del, p.Asp239_Ser240insTer (NM_001324011.1); and 1 more.
Identifiers: ClinVar variation 960100 (VCV000960100.9), dbSNP rs1764796614, ClinGen allele CA1586086938.

ClinVar aggregate classification (germline): Pathogenic. Review status: criteria provided, multiple submitters, no conflicts (2 of 4 stars). 2 submissions from 2 submitters: Pathogenic (2). Last evaluated 2025-07-15.

Conditions:
Hereditary cancer-predisposing syndrome. Also called: Tumor predisposition; Hereditary neoplastic syndrome; Neoplastic Syndromes, Hereditary; Hereditary Cancer Syndrome. Identifiers: Orphanet 140162, MedGen C0027672, MeSH D009386, MONDO:0015356.

Submissions (2):

Ambry Genetics
Classification: Pathogenic for Hereditary cancer-predisposing syndrome. Last evaluated: 2025-07-15. Review status: criteria provided, single submitter. Criteria: Ambry Variant Classification Scheme 2023. Collection method: clinical testing. Allele origin: germline.
Comment: The c.1922_1923delCT pathogenic mutation, located in coding exon 13 of the CTNNA1 gene, results from a deletion of two nucleotides at nucleotide positions 1922 to 1923, causing a translational frameshift with a predicted alternate stop codon (p.S641*). This variant is considered to be rare based on population cohorts in the Genome Aggregation Database (gnomAD). This alteration is expected to result in loss of function by premature protein truncation or nonsense-mediated mRNA decay. As such, this alteration is interpreted as a disease-causing mutation.

Labcorp Genetics (formerly Invitae), Labcorp
Classification: Pathogenic. Last evaluated: 2023-06-13. Review status: criteria provided, single submitter. Criteria: Invitae Variant Classification Sherloc (09022015). Collection method: clinical testing. Allele origin: germline.
Comment: For these reasons, this variant has been classified as Pathogenic. ClinVar contains an entry for this variant (Variation ID: 960100). This variant has not been reported in the literature in individuals affected with CTNNA1-related conditions. This variant is not present in population databases (gnomAD no frequency). This sequence change creates a premature translational stop signal (p.Ser641*) in the CTNNA1 gene. It is expected to result in an absent or disrupted protein product. Loss-of-function variants in CTNNA1 are known to be pathogenic (PMID: 32051609, 34425242).

Literature cited by the submitters: PubMed 32051609 (cited by Labcorp Genetics (formerly Invitae), Labcorp); PubMed 34425242 (cited by Labcorp Genetics (formerly Invitae), Labcorp).